The following is an entry in ClinVar:

NM_006828.4(ASCC3):c.5465A>G (p.Tyr1822Cys)

Gene: ASCC3 (activating signal cointegrator 1 complex subunit 3; minus strand). Cytogenetic location: 6q16.3.
Variant type: single nucleotide variant.
Coding change: c.5465A>G on transcript NM_006828.4 (MANE Select); coding-DNA position 5465, A replaced by G.
Protein change: p.Tyr1822Cys; replaces tyrosine 1822 with cysteine.
Molecular consequence: missense variant.
Genome position (GRCh38, 1-based): chr6:100,589,719, T>C on the plus strand (A>G on the coding strand, the complement: ASCC3 is on the minus strand). VCF-style: chr6-100589719-T-C. GRCh37 (hg19) VCF-style: chr6-101037595-T-C.
Other names: short protein forms Y1822C.
Identifiers: ClinVar variation 3765965 (VCV003765965.1).

ClinVar aggregate classification (germline): Uncertain significance (1 of 4 stars; one submission).

gnomAD v4.1: 23 of 1,613,830 alleles (0.0014%); highest among the groups gnomAD compares: Non-Finnish European, 0.0019%; no homozygotes.

Submission:

GeneDx
Classification: Uncertain significance. Last evaluated: 2024-09-03. Review status: criteria provided, single submitter. Criteria: GeneDx Variant Classification Process June 2021. Collection method: clinical testing. Allele origin: germline. Affected: yes.
Comment: Not observed at significant frequency in large population cohorts (gnomAD); In silico analysis supports that this missense variant has a deleterious effect on protein structure/function; Has not been previously published as pathogenic or benign to our knowledge